The following is an entry in ClinVar:

NM_001369.3(DNAH5):c.3817C>T (p.Gln1273Ter)

Genes: DNAH5 (dynein axonemal heavy chain 5; minus strand), DNAH5-AS1 (DNAH5 antisense RNA 1; plus strand). Cytogenetic location: 5p15.2.
Variant type: single nucleotide variant.
Coding change: c.3817C>T on transcript NM_001369.3 (MANE Select); coding-DNA position 3817, C replaced by T.
Protein change: p.Gln1273Ter; replaces glutamine 1273 with a stop codon.
Molecular consequence: nonsense.
Genome position (GRCh38, 1-based): chr5:13,870,784, G>A on the plus strand (C>T on the coding strand, the complement: DNAH5 is on the minus strand). VCF-style: chr5-13870784-G-A. GRCh37 (hg19) VCF-style: chr5-13870893-G-A.
Other names: short protein forms Q1273*.
Identifiers: ClinVar variation 4814886 (VCV004814886.1).
Genomic context (GRCh38, chr5:13,870,784, plus strand): 5'-CATGTAGAAATATTTCTATAATGAACAAATGATCATTAGTTACCTCAATAGGTCCTACTT[G>A]AAAGTCAATGGAGATTTGCTCCTCCCTTATTTCTTTCAGCGCTGCCATTGCAATCCGAAT-3'

ClinVar aggregate classification (germline): Likely pathogenic (1 of 4 stars; one submission).

Conditions:
Primary ciliary dyskinesia. Also called: Ciliary dyskinesia. Identifiers: Orphanet 244, MedGen C0008780, MONDO:0016575, HP:0012265.

Submission:

Natera, Inc.
Classification: Likely pathogenic for Primary ciliary dyskinesia. Last evaluated: 2024-09-21. Review status: criteria provided, single submitter. Criteria: Natera Variant Classification Schema (03/2026). Collection method: clinical testing. Allele origin: germline.
Comment: The c.3817C>T variant in DNAH5 is a nonsense variant predicted to introduce a stop codon at amino acid 1273. This variant is expected to result in nonsense mediated decay, truncation, or a dysfunctional protein product. This variant is rare in the general population with a frequency below the threshold expected for the associated phenotype(s). Given the available evidence, this variant is classified as Likely Pathogenic.